The following is an entry in ClinVar:

NM_000070.3(CAPN3):c.1514C>T (p.Ala505Val)

Gene: CAPN3 (calpain 3; plus strand). Cytogenetic location: 15q15.1.
Variant type: single nucleotide variant.
Coding change: c.1514C>T on transcript NM_000070.3 (MANE Select); coding-DNA position 1514, C replaced by T.
Protein change: p.Ala505Val; replaces alanine 505 with valine.
Molecular consequence: missense variant.
Genome position (GRCh38, 1-based): chr15:42,401,800, C>T. VCF-style: chr15-42401800-C-T. GRCh37 (hg19) VCF-style: chr15-42693998-C-T.
Other names: c.1514C>T, p.Ala505Val (NM_024344.2); c.1370C>T, p.Ala457Val (NM_173087.2); short protein forms A505V, A457V.
Identifiers: ClinVar variation 937334 (VCV000937334.9), dbSNP rs756657325, ClinGen allele CA7511377.

ClinVar aggregate classification (germline): Uncertain significance. Review status: criteria provided, multiple submitters, no conflicts (2 of 4 stars). 3 submissions from 3 submitters: Uncertain significance (2). 1 of the submissions does not count toward it. Last evaluated 2026-04-27.

Conditions:
Autosomal recessive limb-girdle muscular dystrophy type 2A (LGMDR1). Also called: Muscular dystrophy, limb-girdle, type 2A, Amish; MUSCULAR DYSTROPHY, PELVOFEMORAL; Limb-girdle muscular dystrophy, type 2A; Calpainopathy; LEYDEN-MOEBIUS MUSCULAR DYSTROPHY. Identifiers: Orphanet 267, MedGen C1869123, MONDO:0009675, OMIM 253600. Disease mechanism: loss of function.

Allele frequency attached by ClinVar (database versions not stated): gnomAD exomes 0.00001 and 0.00002; TOPMed 0.00001; ExAC 0.00004.
gnomAD v4.1: 9 of 1,613,304 alleles (0.00056%); highest among the groups gnomAD compares: Middle Eastern, 0.033%; no homozygotes.

Submissions (3):

Myriad Genetics, Inc.
Classification: Uncertain significance for Autosomal recessive limb-girdle muscular dystrophy type 2A. Last evaluated: 2026-04-27. Review status: criteria provided, single submitter. Criteria: Myriad Autosomal Dominant, Autosomal Recessive and X-Linked Classification Criteria (2023). Collection method: clinical testing. Allele origin: unknown.
Comment: NM_000070.2(CAPN3):c.1514C>T(A505V) is a missense variant classified as a variant of uncertain significance in the context of calpainopathy. A505V has not been observed in cases with relevant disease. Relevant functional assessments of this variant are not available in the literature. A505V has been observed in referenced population frequency databases. In summary, there is insufficient evidence to classify NM_000070.2(CAPN3):c.1514C>T(A505V) as pathogenic or benign. Please note: this variant was assessed in the context of healthy population screening.

Labcorp Genetics (formerly Invitae), Labcorp
Classification: Uncertain significance for Autosomal recessive limb-girdle muscular dystrophy type 2A. Last evaluated: 2025-01-13. Review status: criteria provided, single submitter. Criteria: Invitae Variant Classification Sherloc (09022015). Collection method: clinical testing. Allele origin: germline.
Comment: This sequence change replaces alanine, which is neutral and non-polar, with valine, which is neutral and non-polar, at codon 505 of the CAPN3 protein (p.Ala505Val). This variant is present in population databases (rs756657325, gnomAD 0.03%). This variant has not been reported in the literature in individuals affected with CAPN3-related conditions. ClinVar contains an entry for this variant (Variation ID: 937334). Invitae Evidence Modeling of protein sequence and biophysical properties (such as structural, functional, and spatial information, amino acid conservation, physicochemical variation, residue mobility, and thermodynamic stability) indicates that this missense variant is not expected to disrupt CAPN3 protein function with a negative predictive value of 80%. In summary, the available evidence is currently insufficient to determine the role of this variant in disease. Therefore, it has been classified as a Variant of Uncertain Significance.

Natera, Inc.
Classification: Uncertain significance for Limb-girdle muscular dystrophy type 2A. Last evaluated: 2021-09-25. Review status: no assertion criteria provided. Collection method: clinical testing. Allele origin: germline. Not counted in ClinVar's aggregate classification.